The following is an entry in ClinVar:

NM_004415.4(DSP):c.5934G>C (p.Met1978Ile)

Gene: DSP (desmoplakin; plus strand). Cytogenetic location: 6p24.3.
Variant type: single nucleotide variant.
Coding change: c.5934G>C on transcript NM_004415.4 (MANE Select); coding-DNA position 5934, G replaced by C.
Protein change: p.Met1978Ile; replaces methionine 1978 with isoleucine.
Molecular consequence: missense variant.
Genome position (GRCh38, 1-based): chr6:7,583,196, G>C. VCF-style: chr6-7583196-G-C. GRCh37 (hg19) VCF-style: chr6-7583429-G-C.
Other names: c.4137G>C, p.Met1379Ile (NM_001008844.3); c.4605G>C, p.Met1535Ile (NM_001319034.2); short protein forms M1535I, M1978I, M1379I.
Identifiers: ClinVar variation 920089 (VCV000920089.5), dbSNP rs1759506508, ClinGen allele CA362689729.
Genomic context (GRCh38, chr6:7,583,196, plus strand): 5'-GTGGACCGTTGACACCTCCAAGCTGGTGTTTGATGGGCTGAGGAAGAAGGTGACAGCAAT[G>C]CAGCTCTATGAGTGTCAGCTGATCGACAAAACAACCTTGGACAAACTATTGAAGGGGAAG-3'
Protein context (NP_004406.2, residues 1968-1988): FDGLRKKVTA[Met1978Ile]QLYECQLIDK

ClinVar aggregate classification (germline): Uncertain significance (1 of 4 stars; one submission).

Conditions:
Cardiomyopathy (CMYO). Also called: Cardiomyopathies. Identifiers: Orphanet 167848, MedGen C0878544, MONDO:0004994, HP:0001638. Inheritance: Various modes of inheritance.

Submission:

Color Diagnostics, LLC DBA Color Health
Classification: Uncertain significance for Cardiomyopathy. Last evaluated: 2023-12-05. Review status: criteria provided, single submitter. Criteria: ACMG Guidelines, 2015. Collection method: clinical testing. Allele origin: germline.
Comment: Variant of Uncertain Significance due to insufficient evidence: This missense variant is located in the C-terminal plakin repeat domain A of the DSP protein. Computational prediction tools and conservation analyses suggest that this variant may not impact the protein function. Computational splicing tools suggest that this variant may not impact RNA splicing. To our knowledge, functional assays have not been performed for this variant nor has this variant been reported in individuals affected with cardiovascular disorders in the literature. This variant is rare in the general population and has been identified in 0/277264 chromosomes by the Genome Aggregation Database (gnomAD). Available evidence is insufficient to determine the pathogenicity of this variant conclusively.